The following is an entry in ClinVar:

ClinVar aggregate classification (germline): Uncertain significance. Review status: criteria provided, multiple submitters, no conflicts (2 of 4 stars). 2 submissions from 2 submitters: Uncertain significance (2). Last evaluated 2025-03-18.

Submissions (2):

Dasa
Classification: Uncertain significance. Last evaluated: 2025-03-18. Review status: criteria provided, single submitter. Criteria: DASA Assertion Criteria. Collection method: clinical testing. Allele origin: germline.
Comment: NM_019032.6(ADAMTSL4):c.1692G>C (p.Glu564Asp) is a missense variant that results in the substitution of glutamic acid with aspartic acid. This variant is rare in population databases. Computational prediction algorithms are consistent with a benign effect. The currently available literature and clinical evidence are not sufficient to establish a definitive association between this variant and the reported condition. Therefore, this variant is classified as a variant of uncertain significance.

Labcorp Genetics (formerly Invitae), Labcorp
Classification: Uncertain significance. Last evaluated: 2021-11-17. Review status: criteria provided, single submitter. Criteria: Invitae Variant Classification Sherloc (09022015). Collection method: clinical testing. Allele origin: germline.
Comment: This sequence change replaces glutamic acid, which is acidic and polar, with aspartic acid, which is acidic and polar, at codon 564 of the ADAMTSL4 protein (p.Glu564Asp). This variant has not been reported in the literature in individuals affected with ADAMTSL4-related conditions. Algorithms developed to predict the effect of missense changes on protein structure and function (SIFT, PolyPhen-2, Align-GVGD) all suggest that this variant is likely to be disruptive. In summary, the available evidence is currently insufficient to determine the role of this variant in disease. Therefore, it has been classified as a Variant of Uncertain Significance. This variant is not present in population databases (gnomAD no frequency).

NM_019032.6(ADAMTSL4):c.1692G>C (p.Glu564Asp)

Genes: ADAMTSL4 (ADAMTS like 4; plus strand), ADAMTSL4-AS2 (ADAMTSL4 antisense RNA 2; minus strand). Cytogenetic location: 1q21.2.
Variant type: single nucleotide variant.
Coding change: c.1692G>C on transcript NM_019032.6 (MANE Select); coding-DNA position 1692, G replaced by C.
Protein change: p.Glu564Asp; replaces glutamic acid 564 with aspartic acid.
Molecular consequence: missense variant.
Genome position (GRCh38, 1-based): chr1:150,556,736, G>C. VCF-style: chr1-150556736-G-C. GRCh37 (hg19) VCF-style: chr1-150529212-G-C.
Other names: c.1692G>C, p.Glu564Asp (NM_001378596.1, NM_025008.5); c.1761G>C, p.Glu587Asp (NM_001288607.2, NM_001288608.2); short protein forms E587D, E564D.
Identifiers: ClinVar variation 1524333 (VCV001524333.8), dbSNP rs1672170748, ClinGen allele CA342312690.